The following is an entry in ClinVar:

ClinVar aggregate classification (germline): Uncertain significance (1 of 4 stars; one submission).

Conditions:
Cardiomyopathy (CMYO). Also called: Cardiomyopathies. Identifiers: Orphanet 167848, MedGen C0878544, MONDO:0004994, HP:0001638. Inheritance: Various modes of inheritance.

Allele frequency attached by ClinVar (database versions not stated): gnomAD exomes below 0.00001.

Submission:

Color Diagnostics, LLC DBA Color Health
Classification: Uncertain significance for Cardiomyopathy. Last evaluated: 2024-03-06. Review status: criteria provided, single submitter. Criteria: ACMG Guidelines, 2015. Collection method: clinical testing. Allele origin: germline.
Comment: This missense variant replaces aspartic acid with alanine at codon 4613 of the RYR2 protein. Computational prediction suggests that this variant may have deleterious impact on protein structure and function (internally defined REVEL score threshold >= 0.7, PMID: 27666373). To our knowledge, functional studies have not been reported for this variant. This variant has not been reported in individuals affected with cardiovascular disorders in the literature. This variant has not been identified in the general population by the Genome Aggregation Database (gnomAD). The available evidence is insufficient to determine the role of this variant in disease conclusively. Therefore, this variant is classified as a Variant of Uncertain Significance.

NM_001035.3(RYR2):c.13838A>C (p.Asp4613Ala)

Gene: RYR2 (ryanodine receptor 2; plus strand). Cytogenetic location: 1q43.
Variant type: single nucleotide variant.
Coding change: c.13838A>C on transcript NM_001035.3 (MANE Select); coding-DNA position 13838, A replaced by C.
Protein change: p.Asp4613Ala; replaces aspartic acid 4613 with alanine.
Molecular consequence: missense variant.
Genome position (GRCh38, 1-based): chr1:237,793,922, A>C. VCF-style: chr1-237793922-A-C. GRCh37 (hg19) VCF-style: chr1-237957222-A-C.
Other names: short protein forms D4613A.
Identifiers: ClinVar variation 2774417 (VCV002774417.2), dbSNP rs2527949567, ClinGen allele CA345418105.